The following is an entry in ClinVar:

NM_001378120.1(MBD5):c.4594C>T (p.Arg1532Trp)

Gene: MBD5 (methyl-CpG binding domain protein 5; plus strand). Cytogenetic location: 2q23.1.
Variant type: single nucleotide variant.
Coding change: c.4594C>T on transcript NM_001378120.1 (MANE Select); coding-DNA position 4594, C replaced by T.
Protein change: p.Arg1532Trp; replaces arginine 1532 with tryptophan.
Molecular consequence: missense variant.
Genome position (GRCh38, 1-based): chr2:148,490,226, C>T. VCF-style: chr2-148490226-C-T. GRCh37 (hg19) VCF-style: chr2-149247795-C-T.
Other names: c.3895C>T, p.Arg1299Trp (NM_018328.5); short protein forms R1532W, R1299W.
Identifiers: ClinVar variation 933740 (VCV000933740.11), dbSNP rs370659853, ClinGen allele CA1900441.

ClinVar aggregate classification (germline): Conflicting classifications of pathogenicity. Review status: criteria provided, conflicting classifications (1 of 4 stars). 2 submissions from 2 submitters: Uncertain significance (1); Likely benign (1). Last evaluated 2024-03-15.

Conditions:
Inborn genetic diseases. Identifiers: MedGen C0950123, MeSH D030342.
Intellectual developmental disorder, autosomal dominant 1. Also called: Intellectual disability, autosomal dominant 1; MBD5 Haploinsufficiency. Identifiers: Orphanet 228402, MedGen C1969562, MONDO:0007974, OMIM 156200.

Allele frequency attached by ClinVar (database versions not stated): gnomAD 0.00001; TOPMed 0.00002; ESP Exome Variant Server 0.00008; gnomAD exomes 0.00001 and 0.00002; ExAC 0.00002.
gnomAD v4.1: 14 of 1,614,010 alleles (0.00087%); highest among the groups gnomAD compares: East Asian, 0.0022%; no homozygotes.

Submissions (2):

Labcorp Genetics (formerly Invitae), Labcorp
Classification: Uncertain significance for Intellectual developmental disorder, autosomal dominant 1. Last evaluated: 2024-03-15. Review status: criteria provided, single submitter. Criteria: Invitae Variant Classification Sherloc (09022015). Collection method: clinical testing. Allele origin: germline.
Comment: This sequence change replaces arginine, which is basic and polar, with tryptophan, which is neutral and slightly polar, at codon 1299 of the MBD5 protein (p.Arg1299Trp). This variant is present in population databases (rs370659853, gnomAD 0.009%). This variant has not been reported in the literature in individuals affected with MBD5-related conditions. ClinVar contains an entry for this variant (Variation ID: 933740). Experimental studies and prediction algorithms are not available or were not evaluated, and the functional significance of this variant is currently unknown. In summary, the available evidence is currently insufficient to determine the role of this variant in disease. Therefore, it has been classified as a Variant of Uncertain Significance.

Ambry Genetics
Classification: Likely benign for Inborn genetic diseases. Last evaluated: 2022-05-11. Review status: criteria provided, single submitter. Criteria: Ambry Variant Classification Scheme 2023. Collection method: clinical testing. Allele origin: germline.